The following is an entry in ClinVar:

ClinVar aggregate classification (germline): Likely benign. Review status: criteria provided, multiple submitters, no conflicts (2 of 4 stars). 2 submissions from 2 submitters: Likely benign (2). Last evaluated 2018-06-16.

Allele frequency attached by ClinVar (database versions not stated): 1000 Genomes Project 30x 0.01452; 1000 Genomes Project 0.01577; TOPMed 0.02127; gnomAD 0.02239 and 0.02285.
gnomAD v4.1: 37,115 of 1,185,724 alleles (3.1%); highest among the groups gnomAD compares: Non-Finnish European, 3.8%; 752 homozygotes.

Submissions (2):

GeneDx
Classification: Likely benign. Last evaluated: 2018-06-16. Review status: criteria provided, single submitter. Criteria: GeneDx Variant Classification (06012015). Collection method: clinical testing. Allele origin: germline. Affected: yes.
Comment: This variant is considered likely benign or benign based on one or more of the following criteria: it is a conservative change, it occurs at a poorly conserved position in the protein, it is predicted to be benign by multiple in silico algorithms, and/or has population frequency not consistent with disease.

Breakthrough Genomics
Classification: Likely benign. Review status: criteria provided, single submitter. Criteria: ACMG Guidelines, 2015. Collection method: not provided. Allele origin: germline. Inheritance: Autosomal recessive inheritance. Affected: yes.

NM_005677.4(COLQ):c.367-140C>G

Gene: COLQ (collagen like tail subunit of asymmetric acetylcholinesterase; minus strand). Cytogenetic location: 3p25.1.
Variant type: single nucleotide variant.
Coding change: c.367-140C>G on transcript NM_005677.4 (MANE Select); 140 bases into the intron before coding-DNA position 367, C replaced by G.
Molecular consequence: intron variant.
Genome position (GRCh38, 1-based): chr3:15,479,143, G>C on the plus strand (C>G on the coding strand, the complement: COLQ is on the minus strand). VCF-style: chr3-15479143-G-C. GRCh37 (hg19) VCF-style: chr3-15520650-G-C.
Other names: c.265-140C>G (NM_080539.4); c.337-140C>G (NM_080538.2).
Identifiers: ClinVar variation 672420 (VCV000672420.2), dbSNP rs17484530, ClinGen allele CA70619791.